The following is an entry in ClinVar:

ClinVar aggregate classification (germline): Uncertain significance. Review status: criteria provided, multiple submitters, no conflicts (2 of 4 stars). 3 submissions from 3 submitters: Uncertain significance (3). Last evaluated 2025-09-02.

Conditions:
Inborn genetic diseases. Identifiers: MedGen C0950123, MeSH D030342.
Hearing impairment. Also called: Impaired Hearing. Identifiers: MedGen C1384666, MONDO:0005365, HP:0000365.

Allele frequency attached by ClinVar (database versions not stated): gnomAD 0.00001; gnomAD exomes 0.00001; TOPMed 0.00001; ESP Exome Variant Server 0.00008.
gnomAD v4.1: 5 of 1,591,306 alleles (0.00031%); highest among the groups gnomAD compares: Admixed American, 0.0018%; no homozygotes.

Submissions (3):

Labcorp Genetics (formerly Invitae), Labcorp
Classification: Uncertain significance. Last evaluated: 2025-09-02. Review status: criteria provided, single submitter. Criteria: Invitae Variant Classification Sherloc (09022015). Collection method: clinical testing. Allele origin: germline.
Comment: This sequence change replaces aspartic acid, which is acidic and polar, with glycine, which is neutral and non-polar, at codon 4825 of the ADGRV1 protein (p.Asp4825Gly). This variant is not present in population databases (gnomAD no frequency). This variant has not been reported in the literature in individuals affected with ADGRV1-related conditions. ClinVar contains an entry for this variant (Variation ID: 1064907). Invitae Evidence Modeling of protein sequence and biophysical properties (such as structural, functional, and spatial information, amino acid conservation, physicochemical variation, residue mobility, and thermodynamic stability) indicates that this missense variant is not expected to disrupt ADGRV1 protein function with a negative predictive value of 95%. In summary, the available evidence is currently insufficient to determine the role of this variant in disease. Therefore, it has been classified as a Variant of Uncertain Significance.

Ambry Genetics
Classification: Uncertain significance for Inborn genetic diseases. Last evaluated: 2023-10-20. Review status: criteria provided, single submitter. Criteria: Ambry Variant Classification Scheme 2023. Collection method: clinical testing. Allele origin: germline.

Department of Otolaryngology – Head & Neck Surgery, Cochlear Implant Center
Classification: Uncertain significance for Hearing impairment. Last evaluated: 2021-04-12. Review status: criteria provided, single submitter. Criteria: ClinGen HL ACMG Specifications v1. Collection method: clinical testing. Allele origin: germline. Affected: yes.
Comment: PM2_Moderate, BP4_Supporting, BP5_Supporting

NM_032119.4(ADGRV1):c.14474A>G (p.Asp4825Gly)

Gene: ADGRV1 (adhesion G protein-coupled receptor V1; plus strand). Cytogenetic location: 5q14.3.
Variant type: single nucleotide variant.
Coding change: c.14474A>G on transcript NM_032119.4 (MANE Select); coding-DNA position 14474, A replaced by G.
Protein change: p.Asp4825Gly; replaces aspartic acid 4825 with glycine.
Molecular consequence: missense variant. On other transcripts: non-coding transcript variant (1).
Genome position (GRCh38, 1-based): chr5:90,791,303, A>G. VCF-style: chr5-90791303-A-G. GRCh37 (hg19) VCF-style: chr5-90087120-A-G.
Other names: short protein forms D4825G.
Identifiers: ClinVar variation 1064907 (VCV001064907.9), dbSNP rs377619015, ClinGen allele CA122811382.